The following is an entry in ClinVar:

NM_001384474.1(LOXHD1):c.5089G>A (p.Gly1697Ser)

Gene: LOXHD1 (lipoxygenase homology PLAT domains 1; minus strand). Cytogenetic location: 18q21.1.
Variant type: single nucleotide variant.
Coding change: c.5089G>A on transcript NM_001384474.1 (MANE Select); coding-DNA position 5089, G replaced by A.
Protein change: p.Gly1697Ser; replaces glycine 1697 with serine.
Molecular consequence: missense variant. On other transcripts: intron variant (1).
Genome position (GRCh38, 1-based): chr18:46,521,279, C>T on the plus strand (G>A on the coding strand, the complement: LOXHD1 is on the minus strand). VCF-style: chr18-46521279-C-T. GRCh37 (hg19) VCF-style: chr18-44101242-C-T.
Other names: c.1756G>A, p.Gly586Ser (NM_001145472.3); c.1468G>A, p.Gly490Ser (NM_001308013.2); c.5085+822G>A (NM_144612.7); short protein forms G586S, G490S, G1697S.
Identifiers: ClinVar variation 228807 (VCV000228807.4), dbSNP rs876657853, ClinGen allele CA10577070.

ClinVar aggregate classification (germline): Uncertain significance (1 of 4 stars; one submission).

Allele frequency attached by ClinVar (database versions not stated): gnomAD 0.00001; gnomAD exomes 0.00001.
gnomAD v4.1: 9 of 1,551,550 alleles (0.00058%); highest among the groups gnomAD compares: Non-Finnish European, 0.00078%; no homozygotes.

Submission:

Laboratory for Molecular Medicine, Mass General Brigham Personalized Medicine
Classification: Uncertain significance. Last evaluated: 2015-04-28. Review status: criteria provided, single submitter. Criteria: LMM Criteria. Collection method: clinical testing. Allele origin: germline. Observed: 1 variant allele.
Comment: The p.Gly586Ser variant in LOXHD1 has not been previously reported in individual s with hearing loss and data from large population studies is insufficient to as sess the frequency of this variant. Computational prediction tools and conservat ion analyses do not provide strong support for or against an impact to the prote in. In summary, the clinical significance of the p.Gly586Ser variant is uncertai n.